The following is an entry in ClinVar:

ClinVar aggregate classification (germline): Benign (1 of 4 stars; one submission).

Conditions:
Cone-rod dystrophy 5 (CORD5). Identifiers: Orphanet 1872, MedGen C1832976, MONDO:0010969, OMIM 600977.

Allele frequency attached by ClinVar (database versions not stated): gnomAD 0.00038 and 0.00039; TOPMed 0.00041; 1000 Genomes Project 0.00080; 1000 Genomes Project 30x 0.00109.

Submission:

Illumina Laboratory Services, Illumina
Classification: Benign for Cone-rod dystrophy 5. Last evaluated: 2018-01-12. Review status: criteria provided, single submitter. Criteria: ICSL Variant Classification Criteria 13 December 2019. Collection method: clinical testing. Allele origin: germline.
Comment: This variant was observed in the ICSL laboratory as part of a predisposition screen in an ostensibly healthy population. It had not been previously curated by ICSL or reported in the Human Gene Mutation Database (HGMD: prior to June 1st, 2018), and was therefore a candidate for classification through an automated scoring system. Utilizing variant allele frequency, disease prevalence and penetrance estimates, and inheritance mode, an automated score was calculated to assess if this variant is too frequent to cause the disease. Based on the score and internal cut-off values, a variant classified as benign is not then subjected to further curation. The score for this variant resulted in a classification of benign for this disease.

NM_031220.4(PITPNM3):c.*1313G>C

Gene: PITPNM3 (PITPNM family member 3; minus strand). Cytogenetic location: 17p13.2.
Variant type: single nucleotide variant.
Coding change: c.*1313G>C on transcript NM_031220.4 (MANE Select); 1313 bases downstream of the stop codon, G replaced by C.
Molecular consequence: 3 prime UTR variant.
Genome position (GRCh38, 1-based): chr17:6,454,025, C>G on the plus strand (G>C on the coding strand, the complement: PITPNM3 is on the minus strand). VCF-style: chr17-6454025-C-G. GRCh37 (hg19) VCF-style: chr17-6357345-C-G.
Other names: c.*1313G>C (NM_001165966.2).
Identifiers: ClinVar variation 324723 (VCV000324723.5), dbSNP rs188929777, ClinGen allele CA10646536.